The following is an entry in ClinVar:

NM_000548.5(TSC2):c.4397C>G (p.Ser1466Trp)

Gene: TSC2 (TSC complex subunit 2; plus strand). Cytogenetic location: 16p13.3.
Variant type: single nucleotide variant.
Coding change: c.4397C>G on transcript NM_000548.5 (MANE Select); coding-DNA position 4397, C replaced by G.
Protein change: p.Ser1466Trp; replaces serine 1466 with tryptophan.
Molecular consequence: missense variant.
Genome position (GRCh38, 1-based): chr16:2,084,619, C>G. VCF-style: chr16-2084619-C-G. GRCh37 (hg19) VCF-style: chr16-2134620-C-G.
Other names: p.Ser1466Trp; c.4196C>G, p.Ser1399Trp (NM_001077183.3); c.4328C>G, p.Ser1443Trp (NM_001114382.3); c.4088C>G, p.Ser1363Trp (NM_001318827.2); c.4052C>G, p.Ser1351Trp (NM_001318829.2); c.3665C>G, p.Ser1222Trp (NM_001318831.2); c.4229C>G, p.Ser1410Trp (NM_001318832.2); c.4199C>G, p.Ser1400Trp (NM_001363528.2); and 27 more; short protein forms S1266W, S1350W, S1363W, S1380W, S1396W, S1406W, S974W, S1200W.
Identifiers: ClinVar variation 1740260 (VCV001740260.6), dbSNP rs45517341, ClinGen allele CA394301959.
Genomic context (GRCh38, chr16:2,084,619, plus strand): 5'-CTTCCAGCTCCCCCCGCTCGCCCAGTGGCCTCCGGCCCCGAGGTTACACCATCTCCGACT[C>G]GGCCCCATCACGCAGGGGCAAGAGAGTAGAGAGGGACGCCTTAAAGAGCAGAGCCACAGC-3'
Protein context (NP_000539.2, residues 1456-1476): LRPRGYTISD[Ser1466Trp]APSRRGKRVE

ClinVar aggregate classification (germline): Uncertain significance. Review status: criteria provided, multiple submitters, no conflicts (2 of 4 stars). 3 submissions from 3 submitters: Uncertain significance (3). Last evaluated 2025-02-12.

Conditions:
Hereditary cancer-predisposing syndrome. Also called: Neoplastic Syndromes, Hereditary; Tumor predisposition; Hereditary Cancer Syndrome; Hereditary neoplastic syndrome. Identifiers: Orphanet 140162, MedGen C0027672, MeSH D009386, MONDO:0015356.
Tuberous sclerosis 2 (TSC2). Identifiers: Orphanet 805, MedGen C1860707, MONDO:0013199, OMIM 613254.

Submissions (3):

Mayo Clinic Laboratories, Mayo Clinic
Classification: Uncertain significance. Last evaluated: 2025-02-12. Review status: criteria provided, single submitter. Criteria: ACMG Guidelines, 2015. Collection method: clinical testing. Allele origin: germline. Observed: 1 variant allele.
Comment: PM2_supporting

Labcorp Genetics (formerly Invitae), Labcorp
Classification: Uncertain significance for Tuberous sclerosis 2. Last evaluated: 2023-11-28. Review status: criteria provided, single submitter. Criteria: Invitae Variant Classification Sherloc (09022015). Collection method: clinical testing. Allele origin: germline.
Comment: This sequence change replaces serine, which is neutral and polar, with tryptophan, which is neutral and slightly polar, at codon 1466 of the TSC2 protein (p.Ser1466Trp). This variant is not present in population databases (gnomAD no frequency). This variant has not been reported in the literature in individuals affected with TSC2-related conditions. ClinVar contains an entry for this variant (Variation ID: 1740260). Advanced modeling of protein sequence and biophysical properties (such as structural, functional, and spatial information, amino acid conservation, physicochemical variation, residue mobility, and thermodynamic stability) performed at Invitae indicates that this missense variant is not expected to disrupt TSC2 protein function with a negative predictive value of 95%. In summary, the available evidence is currently insufficient to determine the role of this variant in disease. Therefore, it has been classified as a Variant of Uncertain Significance.

Ambry Genetics
Classification: Uncertain significance for Hereditary cancer-predisposing syndrome. Last evaluated: 2017-01-04. Review status: criteria provided, single submitter. Criteria: Ambry Variant Classification Scheme 2023. Collection method: clinical testing. Allele origin: germline.
Comment: The p.S1466W variant (also known as c.4397C>G), located in coding exon 33 of the TSC2 gene, results from a C to G substitution at nucleotide position 4397. The serine at codon 1466 is replaced by tryptophan, an amino acid with highly dissimilar properties. This amino acid position is well conserved in available vertebrate species. In addition, this alteration is predicted to be deleterious by in silico analysis. Since supporting evidence is limited at this time, the clinical significance of this alteration remains unclear.